The following is an entry in ClinVar:

NM_004595.5(SMS):c.599G>A (p.Gly200Glu)

Gene: SMS (spermine synthase; plus strand). Cytogenetic location: Xp22.11.
Variant type: single nucleotide variant.
Coding change: c.599G>A on transcript NM_004595.5 (MANE Select); coding-DNA position 599, G replaced by A.
Protein change: p.Gly200Glu; replaces glycine 200 with glutamic acid.
Molecular consequence: missense variant.
Genome position (GRCh38, 1-based): chrX:21,978,053, G>A. VCF-style: chrX-21978053-G-A. GRCh37 (hg19) VCF-style: chrX-21996171-G-A.
Other names: c.440G>A, p.Gly147Glu (NM_001258423.2); short protein forms G147E, G200E.
Identifiers: ClinVar variation 4681922 (VCV004681922.5).

ClinVar aggregate classification (germline): Uncertain significance (1 of 4 stars; one submission).

Submission:

CeGaT Center for Human Genetics Tuebingen
Classification: Uncertain significance. Last evaluated: 2025-12-01. Review status: criteria provided, single submitter. Criteria: CeGaT Center For Human Genetics Tuebingen Variant Classification Criteria Version 2. Collection method: clinical testing. Allele origin: germline. Affected: yes. Observed: 1 variant allele.
Comment: SMS: PM2, PP3